The following is an entry in ClinVar:

NM_007294.4(BRCA1):c.1331G>C (p.Ser444Thr)

Gene: BRCA1 (BRCA1 DNA repair associated; minus strand). Cytogenetic location: 17q21.31.
Variant type: single nucleotide variant.
Coding change: c.1331G>C on transcript NM_007294.4 (MANE Select); coding-DNA position 1331, G replaced by C.
Protein change: p.Ser444Thr; replaces serine 444 with threonine.
Molecular consequence: missense variant. On other transcripts: intron variant (137).
Genome position (GRCh38, 1-based): chr17:43,094,200, C>G on the plus strand (G>C on the coding strand, the complement: BRCA1 is on the minus strand). VCF-style: chr17-43094200-C-G. GRCh37 (hg19) VCF-style: chr17-41246217-C-G.
Other names: c.664+544G>C (NM_001408444.1, NM_001408438.1, NM_001408430.1 and 12 more transcripts); c.670+1646G>C (NM_001408423.1, NM_001408420.1, NM_001408419.1 and 2 more transcripts); c.787+544G>C (NM_001408404.1, NM_001408472.1, NM_001407990.1 and 19 more transcripts); c.577+544G>C (NM_001408492.1, NM_001408513.1, NM_001408481.1 and 9 more transcripts); c.643+544G>C (NM_001408468.1, NM_001408470.1, NM_001408464.1 and 3 more transcripts); c.523+544G>C (NM_001408501.1, NM_001408500.1, NM_001408497.1 and 3 more transcripts); c.646+544G>C (NM_001408455.1, NM_001408466.1, NM_001408452.1 and 11 more transcripts); c.404-3168G>C (NM_001408511.1); and 40 more; short protein forms S356T, S397T, S417T, S418T, S148T, S276T, S332T, S355T.
Identifiers: ClinVar variation 3634693 (VCV003634693.2).
Genomic context (GRCh38, chr17:43,094,200, plus strand): 5'-GTTTTCCCAAATATTTTGTCTTCAATATTACTCTCTACTGATTTGGAGTGAACTCTTTCA[C>G]TTTTACATATTAAAGCCTCATGAGGATCACTGGCCAGTAAGTCTATTTTCTCTGAAGAAC-3'
Protein context (NP_009225.1, residues 434-454): SDPHEALICK[Ser444Thr]ERVHSKSVES

ClinVar aggregate classification (germline): Uncertain significance (1 of 4 stars; one submission).

Conditions:
Hereditary breast ovarian cancer syndrome. Also called: Hereditary breast and ovarian cancer syndrome; Hereditary breast and ovarian cancer syndrome (HBOC); BRCA1- and BRCA2-Associated Hereditary Breast and Ovarian Cancer; Hereditary breast and ovarian cancer; Breast and ovarian cancer; Hereditary breast and/or ovarian cancer syndrome. Identifiers: Orphanet 145, MedGen C0677776, MeSH D061325, MONDO:0003582. Disease mechanism: loss of function.

Submission:

Labcorp Genetics (formerly Invitae), Labcorp
Classification: Uncertain significance for Hereditary breast ovarian cancer syndrome. Last evaluated: 2024-09-22. Review status: criteria provided, single submitter. Criteria: Invitae Variant Classification Sherloc (09022015). Collection method: clinical testing. Allele origin: germline.
Comment: This sequence change replaces serine, which is neutral and polar, with threonine, which is neutral and polar, at codon 444 of the BRCA1 protein (p.Ser444Thr). This variant is not present in population databases (gnomAD no frequency). This variant has not been reported in the literature in individuals affected with BRCA1-related conditions. Invitae Evidence Modeling of protein sequence and biophysical properties (such as structural, functional, and spatial information, amino acid conservation, physicochemical variation, residue mobility, and thermodynamic stability) indicates that this missense variant is not expected to disrupt BRCA1 protein function with a negative predictive value of 95%. In summary, the available evidence is currently insufficient to determine the role of this variant in disease. Therefore, it has been classified as a Variant of Uncertain Significance.